The following is an entry in ClinVar:

NM_003801.4(GPAA1):c.995T>C (p.Leu332Pro)

Gene: GPAA1 (glycosylphosphatidylinositol anchor attachment 1; plus strand). Cytogenetic location: 8q24.3.
Variant type: single nucleotide variant.
Coding change: c.995T>C on transcript NM_003801.4 (MANE Select); coding-DNA position 995, T replaced by C.
Protein change: p.Leu332Pro; replaces leucine 332 with proline.
Molecular consequence: missense variant.
Genome position (GRCh38, 1-based): chr8:144,084,594, T>C. VCF-style: chr8-144084594-T-C. GRCh37 (hg19) VCF-style: chr8-145139497-T-C.
Other names: short protein forms L332P.
Identifiers: ClinVar variation 1403157 (VCV001403157.3), dbSNP rs782708160, ClinGen allele CA4932995.

ClinVar aggregate classification (germline): Uncertain significance (1 of 4 stars; one submission).

Allele frequency attached by ClinVar (database versions not stated): gnomAD 0.00002; gnomAD exomes 0.00002 and 0.00004; ExAC 0.00004; TOPMed 0.00006.

Submission:

Labcorp Genetics (formerly Invitae), Labcorp
Classification: Uncertain significance. Last evaluated: 2022-10-13. Review status: criteria provided, single submitter. Criteria: Invitae Variant Classification Sherloc (09022015). Collection method: clinical testing. Allele origin: germline.
Comment: This sequence change replaces leucine, which is neutral and non-polar, with proline, which is neutral and non-polar, at codon 332 of the GPAA1 protein (p.Leu332Pro). This variant is present in population databases (rs782708160, gnomAD 0.03%). This variant has not been reported in the literature in individuals affected with GPAA1-related conditions. ClinVar contains an entry for this variant (Variation ID: 1403157). Advanced modeling of protein sequence and biophysical properties (such as structural, functional, and spatial information, amino acid conservation, physicochemical variation, residue mobility, and thermodynamic stability) performed at Invitae indicates that this missense variant is not expected to disrupt GPAA1 protein function. In summary, the available evidence is currently insufficient to determine the role of this variant in disease. Therefore, it has been classified as a Variant of Uncertain Significance.